The following is an entry in ClinVar:

NM_002334.4(LRP4):c.1309+6G>T

Gene: LRP4 (LDL receptor related protein 4; minus strand). Cytogenetic location: 11p11.2.
Variant type: single nucleotide variant.
Coding change: c.1309+6G>T on transcript NM_002334.4 (MANE Select); 6 bases into the intron after coding-DNA position 1309, G replaced by T.
Molecular consequence: intron variant.
Genome position (GRCh38, 1-based): chr11:46,895,160, C>A on the plus strand (G>T on the coding strand, the complement: LRP4 is on the minus strand). VCF-style: chr11-46895160-C-A. GRCh37 (hg19) VCF-style: chr11-46916711-C-A.
Identifiers: ClinVar variation 1052819 (VCV001052819.8), dbSNP rs532952316, ClinGen allele CA5970195.

ClinVar aggregate classification (germline): Uncertain significance. Review status: criteria provided, multiple submitters, no conflicts (2 of 4 stars). 2 submissions from 2 submitters: Uncertain significance (2). Last evaluated 2024-02-23.

Conditions:
Sclerosteosis 2 (SOST2). Identifiers: Orphanet 3152, MedGen C3280402, MONDO:0013679, OMIM 614305.
Cenani-Lenz syndactyly syndrome. Also called: CENANI SYNDACTYLISM; SYNDACTYLY, TYPE VII. Identifiers: Orphanet 3258, MedGen C1859309, MONDO:0008931, OMIM 212780.
Congenital myasthenic syndrome 17. Identifiers: Orphanet 590, MedGen C4225377, MONDO:0014578, OMIM 616304.

Allele frequency attached by ClinVar (database versions not stated): TOPMed below 0.00001; gnomAD 0.00001; gnomAD exomes 0.00004; ExAC 0.00006; 1000 Genomes Project 0.00040; 1000 Genomes Project 30x 0.00047.
gnomAD v4.1: 35 of 1,613,844 alleles (0.0022%); highest among the groups gnomAD compares: South Asian, 0.036%; 1 homozygote.

Submissions (2):

Fulgent Genetics
Classification: Uncertain significance for Cenani-Lenz syndactyly syndrome; Sclerosteosis 2; Congenital myasthenic syndrome 17. Last evaluated: 2024-02-23. Review status: criteria provided, single submitter. Criteria: ACMG Guidelines, 2015. Collection method: clinical testing. Allele origin: germline.

Labcorp Genetics (formerly Invitae), Labcorp
Classification: Uncertain significance for Cenani-Lenz syndactyly syndrome; Sclerosteosis 2; Congenital myasthenic syndrome 17. Last evaluated: 2022-07-19. Review status: criteria provided, single submitter. Criteria: Invitae Variant Classification Sherloc (09022015). Collection method: clinical testing. Allele origin: germline.
Comment: This sequence change falls in intron 11 of the LRP4 gene. It does not directly change the encoded amino acid sequence of the LRP4 protein. It affects a nucleotide within the consensus splice site. This variant is present in population databases (rs532952316, gnomAD 0.03%). In summary, the available evidence is currently insufficient to determine the role of this variant in disease. Therefore, it has been classified as a Variant of Uncertain Significance. Variants that disrupt the consensus splice site are a relatively common cause of aberrant splicing (PMID: 17576681, 9536098). Algorithms developed to predict the effect of sequence changes on RNA splicing suggest that this variant is not likely to affect RNA splicing. ClinVar contains an entry for this variant (Variation ID: 1052819). This variant has not been reported in the literature in individuals affected with LRP4-related conditions.

Literature cited by the submitters: PubMed 17576681 (cited by Labcorp Genetics (formerly Invitae), Labcorp); PubMed 9536098 (cited by Labcorp Genetics (formerly Invitae), Labcorp).